The following is an entry in ClinVar:

ClinVar aggregate classification (germline): Uncertain significance. Review status: criteria provided, multiple submitters, no conflicts (2 of 4 stars). 3 submissions from 3 submitters: Uncertain significance (3). Last evaluated 2022-02-08.

Conditions:
Cone-rod dystrophy 15 (CORD15). Identifiers: MedGen C3150912, MONDO:0013348, OMIM 613660.

gnomAD v4.1: 15 of 1,614,194 alleles (0.00093%); highest among the groups gnomAD compares: Non-Finnish European, 0.0013%; no homozygotes.

Submissions (3):

Labcorp Genetics (formerly Invitae), Labcorp
Classification: Uncertain significance. Last evaluated: 2022-02-08. Review status: criteria provided, single submitter. Criteria: Invitae Variant Classification Sherloc (09022015). Collection method: clinical testing. Allele origin: germline.
Comment: In summary, the available evidence is currently insufficient to determine the role of this variant in disease. Therefore, it has been classified as a Variant of Uncertain Significance. Advanced modeling of protein sequence and biophysical properties (such as structural, functional, and spatial information, amino acid conservation, physicochemical variation, residue mobility, and thermodynamic stability) performed at Invitae indicates that this missense variant is not expected to disrupt CDHR1 protein function. ClinVar contains an entry for this variant (Variation ID: 301251). This variant has not been reported in the literature in individuals affected with CDHR1-related conditions. This variant is present in population databases (rs150840551, gnomAD 0.0009%). This sequence change replaces arginine, which is basic and polar, with proline, which is neutral and non-polar, at codon 661 of the CDHR1 protein (p.Arg661Pro).

Blueprint Genetics
Classification: Uncertain significance. Last evaluated: 2021-01-22. Review status: criteria provided, single submitter. Criteria: ACMG Guidelines, 2015. Collection method: clinical testing. Allele origin: germline.

Illumina Laboratory Services, Illumina
Classification: Uncertain significance for Cone-rod dystrophy 15. Last evaluated: 2018-01-13. Review status: criteria provided, single submitter. Criteria: ICSL Variant Classification Criteria 13 December 2019. Collection method: clinical testing. Allele origin: germline.

NM_033100.4(CDHR1):c.1982G>C (p.Arg661Pro)

Gene: CDHR1 (cadherin related family member 1; plus strand). Cytogenetic location: 10q23.1.
Variant type: single nucleotide variant.
Coding change: c.1982G>C on transcript NM_033100.4 (MANE Select); coding-DNA position 1982, G replaced by C.
Protein change: p.Arg661Pro; replaces arginine 661 with proline.
Molecular consequence: missense variant.
Genome position (GRCh38, 1-based): chr10:84,213,290, G>C. VCF-style: chr10-84213290-G-C. GRCh37 (hg19) VCF-style: chr10-85973046-G-C.
Other names: c.1982G>C, p.Arg661Pro (NM_001171971.3); short protein forms R661P.
Identifiers: ClinVar variation 301251 (VCV000301251.13), dbSNP rs150840551, ClinGen allele CA5580106.
Genomic context (GRCh38, chr10:84,213,290, plus strand): 5'-TGCACAACATCACACCTGGAAGGGACTGCCTATGGTCCCTAGAGGTGCAGGCCAAGGACC[G>C]GGGCTCCCCATCCTTCAGCACCACAGCCTTACTCAAGATTGACATCACAGATGCTGAGGT-3'
Protein context (NP_149091.1, residues 651-671): LWSLEVQAKD[Arg661Pro]GSPSFSTTAL